The following is an entry in ClinVar:

ClinVar aggregate classification (germline): Uncertain significance (1 of 4 stars; one submission).

Allele frequency attached by ClinVar (database versions not stated): gnomAD exomes below 0.00001; TOPMed below 0.00001.
gnomAD v4.1: 6 of 1,613,028 alleles (0.00037%); highest among the groups gnomAD compares: Non-Finnish European, 0.00051%; no homozygotes.

Submission:

Ambry Genetics
Classification: Uncertain significance. Last evaluated: 2022-07-02. Review status: criteria provided, single submitter. Criteria: Ambry Variant Classification Scheme 2023. Collection method: clinical testing. Allele origin: germline.
Comment: The p.P2001R variant (also known as c.6002C>G), located in coding exon 9 of the ALPK2 gene, results from a C to G substitution at nucleotide position 6002. The proline at codon 2001 is replaced by arginine, an amino acid with dissimilar properties. This amino acid position is conserved. In addition, this alteration is predicted to be tolerated by in silico analysis. Since supporting evidence is limited at this time, the clinical significance of this alteration remains unclear.

NM_052947.4(ALPK2):c.6002C>G (p.Pro2001Arg)

Gene: ALPK2 (alpha kinase 2; minus strand). Cytogenetic location: 18q21.31.
Variant type: single nucleotide variant.
Coding change: c.6002C>G on transcript NM_052947.4 (MANE Select); coding-DNA position 6002, C replaced by G.
Protein change: p.Pro2001Arg; replaces proline 2001 with arginine.
Molecular consequence: missense variant.
Genome position (GRCh38, 1-based): chr18:58,515,020, G>C on the plus strand (C>G on the coding strand, the complement: ALPK2 is on the minus strand). VCF-style: chr18-58515020-G-C. GRCh37 (hg19) VCF-style: chr18-56182252-G-C.
Other names: short protein forms P2001R.
Identifiers: ClinVar variation 1751030 (VCV001751030.2), dbSNP rs2051513818, ClinGen allele CA402546201.